The following is an entry in ClinVar:

ClinVar aggregate classification (germline): Likely pathogenic (1 of 4 stars; one submission).

Conditions:
Werner syndrome (WRN). Identifiers: Orphanet 902, MedGen C0043119, MONDO:0010196, OMIM 277700.

Allele frequency attached by ClinVar (database versions not stated): gnomAD exomes below 0.00001.

Submission:

Labcorp Genetics (formerly Invitae), Labcorp
Classification: Likely pathogenic for Werner syndrome. Last evaluated: 2022-09-21. Review status: criteria provided, single submitter. Criteria: Invitae Variant Classification Sherloc (09022015). Collection method: clinical testing. Allele origin: germline.
Comment: Disruption of this splice site has been observed in individual(s) with Werner syndrome (PMID: 27667302). ClinVar contains an entry for this variant (Variation ID: 1066029). Algorithms developed to predict the effect of sequence changes on RNA splicing suggest that this variant may disrupt the consensus splice site. In summary, the currently available evidence indicates that the variant is pathogenic, but additional data are needed to prove that conclusively. Therefore, this variant has been classified as Likely Pathogenic. This sequence change affects an acceptor splice site in intron 18 of the WRN gene. It is expected to disrupt RNA splicing. Variants that disrupt the donor or acceptor splice site typically lead to a loss of protein function (PMID: 16199547), and loss-of-function variants in WRN are known to be pathogenic (PMID: 16673358). This variant is not present in population databases (gnomAD no frequency).

Literature cited by the submitters: PubMed 27667302; PubMed 16199547; PubMed 16673358.

NM_000553.6(WRN):c.2089-1G>C

Gene: WRN (WRN RecQ like helicase; plus strand). Cytogenetic location: 8p12.
Variant type: single nucleotide variant.
Coding change: c.2089-1G>C on transcript NM_000553.6 (MANE Select); the canonical splice acceptor site of the intron before coding-DNA position 2089, G replaced by C.
Molecular consequence: splice acceptor variant.
Genome position (GRCh38, 1-based): chr8:31,111,614, G>C. VCF-style: chr8-31111614-G-C. GRCh37 (hg19) VCF-style: chr8-30969130-G-C.
Identifiers: ClinVar variation 1066029 (VCV001066029.5), dbSNP rs2130282582, ClinGen allele CA370912341.